The following is an entry in ClinVar:

ClinVar aggregate classification (germline): Uncertain significance (1 of 4 stars; one submission).

Conditions:
Pulmonary hypertension, primary, 4. Identifiers: Orphanet 422, MedGen C3809198, MONDO:0014136, OMIM 615344.

gnomAD v4.1: 1 of 1,603,820 alleles (0.000062%); highest among the groups gnomAD compares: South Asian, 0.0011%; no homozygotes.

Submission:

Labcorp Genetics (formerly Invitae), Labcorp
Classification: Uncertain significance for Pulmonary hypertension, primary, 4. Last evaluated: 2025-04-17. Review status: criteria provided, single submitter. Criteria: Invitae Variant Classification Sherloc (09022015). Collection method: clinical testing. Allele origin: germline.
Comment: This sequence change replaces lysine, which is basic and polar, with arginine, which is basic and polar, at codon 316 of the KCNK3 protein (p.Lys316Arg). This variant is not present in population databases (gnomAD no frequency). This variant has not been reported in the literature in individuals affected with KCNK3-related conditions. Invitae Evidence Modeling of protein sequence and biophysical properties (such as structural, functional, and spatial information, amino acid conservation, physicochemical variation, residue mobility, and thermodynamic stability) indicates that this missense variant is not expected to disrupt KCNK3 protein function with a negative predictive value of 80%. In summary, the available evidence is currently insufficient to determine the role of this variant in disease. Therefore, it has been classified as a Variant of Uncertain Significance.

NM_002246.3(KCNK3):c.947A>G (p.Lys316Arg)

Gene: KCNK3 (potassium two pore domain channel subfamily K member 3; plus strand). Cytogenetic location: 2p23.3.
Variant type: single nucleotide variant.
Coding change: c.947A>G on transcript NM_002246.3 (MANE Select); coding-DNA position 947, A replaced by G.
Protein change: p.Lys316Arg; replaces lysine 316 with arginine.
Molecular consequence: missense variant.
Genome position (GRCh38, 1-based): chr2:26,728,330, A>G. VCF-style: chr2-26728330-A-G. GRCh37 (hg19) VCF-style: chr2-26951198-A-G.
Other names: short protein forms K316R.
Identifiers: ClinVar variation 4737623 (VCV004737623.1).